The following is an entry in ClinVar:

NM_000053.4(ATP7B):c.4371T>C (p.Asn1457=)

Gene: ATP7B (ATPase copper transporting beta; minus strand). Cytogenetic location: 13q14.3.
Variant type: single nucleotide variant.
Coding change: c.4371T>C on transcript NM_000053.4 (MANE Select); coding-DNA position 4371, T replaced by C.
Protein change: p.Asn1457=; no amino-acid change (asparagine 1457 retained).
Molecular consequence: synonymous variant.
Genome position (GRCh38, 1-based): chr13:51,934,783, A>G on the plus strand (T>C on the coding strand, the complement: ATP7B is on the minus strand). VCF-style: chr13-51934783-A-G. GRCh37 (hg19) VCF-style: chr13-52508919-A-G.
Other names: c.3750T>C, p.Asn1250= (NM_001005918.3); c.4038T>C, p.Asn1346= (NM_001243182.2); c.4137T>C, p.Asn1379= (NM_001330578.2); c.4119T>C, p.Asn1373= (NM_001330579.2).
Identifiers: ClinVar variation 1615070 (VCV001615070.9), dbSNP rs1237211954, ClinGen allele CA483892136.
Genomic context (GRCh38, chr13:51,934,783, plus strand): 5'-AAGTCCCTGCCCCGGCCCGCCTGCCTGAAGTCATCAGATGTACTGCTCCTCATCCCTGCC[A>G]TTCAGGAGCAGAGACCACTTGTCCCCATCATCGTCTGCTGCAGCGCTGTGCCGAGATGGC-3'
Protein context (NP_000044.2, residues 1447-1465): DDGDKWSLLL[Asn1457=]GRDEEQYI

ClinVar aggregate classification (germline): Likely benign. Review status: criteria provided, multiple submitters, no conflicts (2 of 4 stars). 3 submissions from 3 submitters: Likely benign (3). Last evaluated 2023-10-17.

Conditions:
Wilson disease (WND). Also called: Wilson's disease. Identifiers: Orphanet 905, MedGen C0019202, MONDO:0010200, OMIM 277900. Disease mechanism: loss of function.

Allele frequency attached by ClinVar (database versions not stated): gnomAD exomes below 0.00001.
gnomAD v4.1: 1 of 1,614,034 alleles (0.000062%); highest among the groups gnomAD compares: Non-Finnish European, 0.000085%; no homozygotes.

Submissions (3):

Labcorp Genetics (formerly Invitae), Labcorp
Classification: Likely benign for Wilson disease. Last evaluated: 2023-10-17. Review status: criteria provided, single submitter. Criteria: Invitae Variant Classification Sherloc (09022015). Collection method: clinical testing. Allele origin: germline.

All of Us Research Program, National Institutes of Health
Classification: Likely benign for Wilson disease. Last evaluated: 2023-03-07. Review status: criteria provided, single submitter. Criteria: ACMG Guidelines, 2015. Collection method: clinical testing. Allele origin: germline. Inheritance: Autosomal recessive inheritance. Observed: 1 variant allele, 1 heterozygote.
Comment: This study involves interpretation of variants in research participants for the purpose of population health screening. Participant phenotype was not available at the time of variant classification. Additional details can be found in publication PMID: 35346344, PMCID: PMC8962531

Color Diagnostics, LLC DBA Color Health
Classification: Likely benign for Wilson disease. Last evaluated: 2023-02-21. Review status: criteria provided, single submitter. Criteria: ACMG Guidelines, 2015. Collection method: clinical testing. Allele origin: germline.